The following is an entry in ClinVar:

NM_182920.2(ADAMTS9):c.5239G>A (p.Gly1747Ser)

Genes: ADAMTS9 (ADAM metallopeptidase with thrombospondin type 1 motif 9; minus strand), LOC126806704 (BRD4-independent group 4 enhancer GRCh37_chr3:64526487-64527686; plus strand). Cytogenetic location: 3p14.1.
Variant type: single nucleotide variant.
Coding change: c.5239G>A on transcript NM_182920.2 (MANE Select); coding-DNA position 5239, G replaced by A.
Protein change: p.Gly1747Ser; replaces glycine 1747 with serine.
Molecular consequence: missense variant.
Genome position (GRCh38, 1-based): chr3:64,541,579, C>T on the plus strand (G>A on the coding strand, the complement: ADAMTS9 is on the minus strand). VCF-style: chr3-64541579-C-T. GRCh37 (hg19) VCF-style: chr3-64527255-C-T.
Other names: c.5155G>A, p.Gly1719Ser (NM_001318781.2); short protein forms G1719S, G1747S.
Identifiers: ClinVar variation 2075979 (VCV002075979.5), dbSNP rs374739163, ClinGen allele CA2480208.

ClinVar aggregate classification (germline): Uncertain significance. Review status: criteria provided, multiple submitters, no conflicts (2 of 4 stars). 2 submissions from 2 submitters: Uncertain significance (2). Last evaluated 2022-01-21.

Allele frequency attached by ClinVar (database versions not stated): TOPMed 0.00015; ESP Exome Variant Server 0.00008; gnomAD 0.00008.
gnomAD v4.1: 30 of 1,614,002 alleles (0.0019%); highest among the groups gnomAD compares: Admixed American, 0.02%; no homozygotes.

Submissions (2):

Labcorp Genetics (formerly Invitae), Labcorp
Classification: Uncertain significance. Last evaluated: 2022-01-21. Review status: criteria provided, single submitter. Criteria: Invitae Variant Classification Sherloc (09022015). Collection method: clinical testing. Allele origin: germline.
Comment: Algorithms developed to predict the effect of missense changes on protein structure and function output the following: SIFT: "Tolerated"; PolyPhen-2: "Benign"; Align-GVGD: "Class C0". The serine amino acid residue is found in multiple mammalian species, which suggests that this missense change does not adversely affect protein function. This variant has not been reported in the literature in individuals affected with ADAMTS9-related conditions. This variant is present in population databases (rs374739163, gnomAD 0.003%). This sequence change replaces glycine, which is neutral and non-polar, with serine, which is neutral and polar, at codon 1747 of the ADAMTS9 protein (p.Gly1747Ser). In summary, the available evidence is currently insufficient to determine the role of this variant in disease. Therefore, it has been classified as a Variant of Uncertain Significance.

Ambry Genetics
Classification: Uncertain significance. Last evaluated: 2021-09-01. Review status: criteria provided, single submitter. Criteria: Ambry Variant Classification Scheme 2023. Collection method: clinical testing. Allele origin: germline.